The following is an entry in ClinVar:

NM_001287.6(CLCN7):c.352G>A (p.Ala118Thr)

Gene: CLCN7 (chloride voltage-gated channel 7; minus strand). Cytogenetic location: 16p13.3.
Variant type: single nucleotide variant.
Coding change: c.352G>A on transcript NM_001287.6 (MANE Select); coding-DNA position 352, G replaced by A.
Protein change: p.Ala118Thr; replaces alanine 118 with threonine.
Molecular consequence: missense variant.
Genome position (GRCh38, 1-based): chr16:1,460,948, C>T on the plus strand (G>A on the coding strand, the complement: CLCN7 is on the minus strand). VCF-style: chr16-1460948-C-T. GRCh37 (hg19) VCF-style: chr16-1510949-C-T.
Other names: c.280G>A, p.Ala94Thr (NM_001114331.3); short protein forms A118T, A94T.
Identifiers: ClinVar variation 3619363 (VCV003619363.2).

ClinVar aggregate classification (germline): Uncertain significance (1 of 4 stars; one submission).

gnomAD v4.1: 4 of 1,613,036 alleles (0.00025%); highest among the groups gnomAD compares: East Asian, 0.0089%; no homozygotes.

Submission:

Labcorp Genetics (formerly Invitae), Labcorp
Classification: Uncertain significance. Last evaluated: 2024-10-07. Review status: criteria provided, single submitter. Criteria: Invitae Variant Classification Sherloc (09022015). Collection method: clinical testing. Allele origin: germline.
Comment: This sequence change replaces alanine, which is neutral and non-polar, with threonine, which is neutral and polar, at codon 118 of the CLCN7 protein (p.Ala118Thr). This variant is present in population databases (rs760386183, gnomAD 0.03%). This variant has not been reported in the literature in individuals affected with CLCN7-related conditions. An algorithm developed to predict the effect of missense changes on protein structure and function (PolyPhen-2) suggests that this variant is likely to be tolerated. In summary, the available evidence is currently insufficient to determine the role of this variant in disease. Therefore, it has been classified as a Variant of Uncertain Significance.